The following is an entry in ClinVar:

NM_001018115.3(FANCD2):c.1895A>G (p.Tyr632Cys)

Genes: FANCD2 (FA complementation group D2; plus strand), LOC107303338 (3p25 FANCD2 Alu-mediated recombination region; plus strand). Cytogenetic location: 3p25.3.
Variant type: single nucleotide variant.
Coding change: c.1895A>G on transcript NM_001018115.3 (MANE Select); coding-DNA position 1895, A replaced by G.
Protein change: p.Tyr632Cys; replaces tyrosine 632 with cysteine.
Molecular consequence: missense variant.
Genome position (GRCh38, 1-based): chr3:10,063,859, A>G. VCF-style: chr3-10063859-A-G. GRCh37 (hg19) VCF-style: chr3-10105543-A-G.
Other names: c.1895A>G, p.Tyr632Cys (NM_001319984.2, NM_001374254.1, NM_033084.6); c.1784A>G, p.Tyr595Cys (NM_001374253.1); short protein forms Y632C, Y595C.
Identifiers: ClinVar variation 1038302 (VCV001038302.9), dbSNP rs770231582, ClinGen allele CA2249862.

ClinVar aggregate classification (germline): Uncertain significance. Review status: criteria provided, multiple submitters, no conflicts (2 of 4 stars). 3 submissions from 3 submitters: Uncertain significance (3). Last evaluated 2024-11-12.

Conditions:
Fanconi anemia (FA). Also called: Fanconi's anemia. Identifiers: Orphanet 84, MedGen C0015625, MeSH D005199, MONDO:0019391.
Fanconi anemia complementation group D2. Also called: FANCD2-Related Fanconi Anemia; FANCONI PANCYTOPENIA, TYPE 4; FANCONI ANEMIA, COMPLEMENTATION GROUP D. Identifiers: Orphanet 84, MedGen C3160738, MONDO:0009214, OMIM 227646.

Allele frequency attached by ClinVar (database versions not stated): gnomAD exomes below 0.00001; ExAC 0.00001; gnomAD 0.00001; TOPMed 0.00002.
gnomAD v4.1: 8 of 1,614,116 alleles (0.0005%); highest among the groups gnomAD compares: East Asian, 0.0022%; no homozygotes.

Submissions (3):

Blueprint Genetics
Classification: Uncertain significance. Last evaluated: 2024-11-12. Review status: criteria provided, single submitter. Criteria: ACMG Guidelines, 2015. Collection method: clinical testing. Allele origin: germline.

Fulgent Genetics
Classification: Uncertain significance for Fanconi anemia complementation group D2. Last evaluated: 2024-04-16. Review status: criteria provided, single submitter. Criteria: ACMG Guidelines, 2015. Collection method: clinical testing. Allele origin: germline.

Labcorp Genetics (formerly Invitae), Labcorp
Classification: Uncertain significance for Fanconi anemia. Last evaluated: 2022-09-17. Review status: criteria provided, single submitter. Criteria: Invitae Variant Classification Sherloc (09022015). Collection method: clinical testing. Allele origin: germline.
Comment: This sequence change replaces tyrosine, which is neutral and polar, with cysteine, which is neutral and slightly polar, at codon 632 of the FANCD2 protein (p.Tyr632Cys). The frequency data for this variant in the population databases is considered unreliable, as metrics indicate poor data quality at this position in the gnomAD database. This variant has not been reported in the literature in individuals affected with FANCD2-related conditions. ClinVar contains an entry for this variant (Variation ID: 1038302). Advanced modeling of protein sequence and biophysical properties (such as structural, functional, and spatial information, amino acid conservation, physicochemical variation, residue mobility, and thermodynamic stability) performed at Invitae indicates that this missense variant is not expected to disrupt FANCD2 protein function. In summary, the available evidence is currently insufficient to determine the role of this variant in disease. Therefore, it has been classified as a Variant of Uncertain Significance.